The following is an entry in ClinVar:

ClinVar aggregate classification (germline): Uncertain significance (1 of 4 stars; one submission).

Allele frequency attached by ClinVar (database versions not stated): TOPMed below 0.00001; gnomAD 0.00001.
gnomAD v4.1: 1 of 1,601,878 alleles (0.000062%); highest among the groups gnomAD compares: African/African-American, 0.0013%; no homozygotes.

Submission:

Labcorp Genetics (formerly Invitae), Labcorp
Classification: Uncertain significance. Last evaluated: 2022-11-24. Review status: criteria provided, single submitter. Criteria: Invitae Variant Classification Sherloc (09022015). Collection method: clinical testing. Allele origin: germline.
Comment: This sequence change replaces arginine, which is basic and polar, with serine, which is neutral and polar, at codon 772 of the RIMS1 protein (p.Arg772Ser). This variant is not present in population databases (gnomAD no frequency). This variant has not been reported in the literature in individuals affected with RIMS1-related conditions. Algorithms developed to predict the effect of missense changes on protein structure and function (SIFT, PolyPhen-2, Align-GVGD) all suggest that this variant is likely to be disruptive. In summary, the available evidence is currently insufficient to determine the role of this variant in disease. Therefore, it has been classified as a Variant of Uncertain Significance.

NM_014989.7(RIMS1):c.2316A>C (p.Arg772Ser)

Gene: RIMS1 (regulating synaptic membrane exocytosis 1; plus strand). Cytogenetic location: 6q13.
Variant type: single nucleotide variant.
Coding change: c.2316A>C on transcript NM_014989.7 (MANE Select); coding-DNA position 2316, A replaced by C.
Protein change: p.Arg772Ser; replaces arginine 772 with serine.
Molecular consequence: missense variant.
Genome position (GRCh38, 1-based): chr6:72,250,404, A>C. VCF-style: chr6-72250404-A-C. GRCh37 (hg19) VCF-style: chr6-72960107-A-C.
Other names: c.738A>C, p.Arg246Ser (NM_001350438.2, NM_001350439.2, NM_001350440.2 and 37 more transcripts); c.669A>C, p.Arg223Ser (NM_001350459.2, NM_001350462.2, NM_001350471.2 and 6 more transcripts); c.495A>C, p.Arg165Ser (NM_001350461.2, NM_001350463.2, NM_001350464.2 and 6 more transcripts); c.693A>C, p.Arg231Ser (NM_001350470.2, NM_001350472.2, NM_001350473.2 and 2 more transcripts); short protein forms R223S, R231S, R246S, R165S, R772S.
Identifiers: ClinVar variation 2816269 (VCV002816269.3), dbSNP rs1341583205, ClinGen allele CA364678570.